The following is an entry in ClinVar:

ClinVar aggregate classification (germline): Uncertain significance (1 of 4 stars; one submission).

Conditions:
Polyglandular autoimmune syndrome, type 1 (APS1). Also called: Autoimmune polyendocrinopathy syndrome, type I; PGA I; Autoimmune polyendocrinopathy syndrome , type I, with or without reversible metaphyseal dysplasia; Autoimmune polyendocrine syndrome type 1; AUTOIMMUNE POLYENDOCRINE SYNDROME, TYPE I, WITH OR WITHOUT REVERSIBLE METAPHYSEAL DYSPLASIA; APS I. Identifiers: Orphanet 3453, MedGen C0085859, MONDO:0009411, OMIM 240300.

Allele frequency attached by ClinVar (database versions not stated): gnomAD exomes 0.00001; ExAC 0.00002; ESP Exome Variant Server 0.00008.
gnomAD v4.1: 22 of 1,612,450 alleles (0.0014%); highest among the groups gnomAD compares: Non-Finnish European, 0.0018%; no homozygotes.

Submission:

Labcorp Genetics (formerly Invitae), Labcorp
Classification: Uncertain significance for Polyglandular autoimmune syndrome, type 1. Last evaluated: 2022-06-05. Review status: criteria provided, single submitter. Criteria: Invitae Variant Classification Sherloc (09022015). Collection method: clinical testing. Allele origin: germline.
Comment: This sequence change replaces proline, which is neutral and non-polar, with leucine, which is neutral and non-polar, at codon 381 of the AIRE protein (p.Pro381Leu). This variant is present in population databases (rs145243072, gnomAD 0.003%). This variant has not been reported in the literature in individuals affected with AIRE-related conditions. ClinVar contains an entry for this variant (Variation ID: 1463444). Algorithms developed to predict the effect of missense changes on protein structure and function output the following: SIFT: "Tolerated"; PolyPhen-2: "Benign"; Align-GVGD: "Class C0". The leucine amino acid residue is found in multiple mammalian species, which suggests that this missense change does not adversely affect protein function. In summary, the available evidence is currently insufficient to determine the role of this variant in disease. Therefore, it has been classified as a Variant of Uncertain Significance.

NM_000383.4(AIRE):c.1142C>T (p.Pro381Leu)

Gene: AIRE (autoimmune regulator; plus strand). Cytogenetic location: 21q22.3.
Variant type: single nucleotide variant.
Coding change: c.1142C>T on transcript NM_000383.4 (MANE Select); coding-DNA position 1142, C replaced by T.
Protein change: p.Pro381Leu; replaces proline 381 with leucine.
Molecular consequence: missense variant.
Genome position (GRCh38, 1-based): chr21:44,293,039, C>T. VCF-style: chr21-44293039-C-T. GRCh37 (hg19) VCF-style: chr21-45712922-C-T.
Other names: short protein forms P381L.
Identifiers: ClinVar variation 1463444 (VCV001463444.3), dbSNP rs145243072, ClinGen allele CA10051963.